The following is an entry in ClinVar:

NM_000455.5(STK11):c.1010_1011del (p.Val337fs)

Genes: STK11 (serine/threonine kinase 11; plus strand), LOC130062899 (ATAC-STARR-seq lymphoblastoid active region 13597; plus strand). Cytogenetic location: 19p13.3.
Variant type: Microsatellite.
Coding change: c.1010_1011del on transcript NM_000455.5 (MANE Select); coding-DNA positions 1010 to 1011, 2 bases deleted (TG; older notation c.1010_1011delTG).
Protein change: p.Val337fs; shifts the reading frame from valine 337.
Molecular consequence: frameshift variant.
Genome position (GRCh38, 1-based): chr19:1,223,074-1,223,075, TG deleted; deleting any 2 consecutive bases within chr19:1,223,072-1,223,075 gives the same sequence; the c. name uses the placement nearest the transcript's 3' end. VCF-style (leftmost placement, unchanged base first): chr19-1223071-CTG-C. GRCh37 (hg19) VCF-style: chr19-1223070-CTG-C.
Other names: c.1010_1011delTG (NM_000455.4); short protein forms V337fs.
Identifiers: ClinVar variation 1077101 (VCV001077101.6), dbSNP rs2145430970, ClinGen allele CA645604099.

ClinVar aggregate classification (germline): Pathogenic. Review status: criteria provided, multiple submitters, no conflicts (2 of 4 stars). 4 submissions from 4 submitters: Pathogenic (4). Last evaluated 2025-01-10.

Conditions:
Hereditary cancer-predisposing syndrome. Also called: Neoplastic Syndromes, Hereditary; Hereditary neoplastic syndrome; Tumor predisposition; Hereditary Cancer Syndrome. Identifiers: Orphanet 140162, MedGen C0027672, MeSH D009386, MONDO:0015356.
Peutz-Jeghers syndrome (PJS). Also called: POLYPOSIS, HAMARTOMATOUS INTESTINAL; POLYPS-AND-SPOTS SYNDROME; Peutz-Jeghers polyposis; Periorificial lentiginosis syndrome. Identifiers: Orphanet 2869, MedGen C0031269, MeSH D010580, MONDO:0008280, OMIM 175200.

Submissions (4):

Department of Clinical Genetics, Copenhagen University Hospital, Rigshospitalet
Classification: Pathogenic for Peutz-Jeghers syndrome. Last evaluated: 2025-01-10. Review status: criteria provided, single submitter. Criteria: ACMG Guidelines, 2015. Collection method: clinical testing. Allele origin: germline. Affected: yes.
Comment: The following ACMG criteria was used: PVS1; PM2_SUP; PS4_SUP

Ambry Genetics
Classification: Pathogenic for Hereditary cancer-predisposing syndrome. Last evaluated: 2024-02-07. Review status: criteria provided, single submitter. Criteria: Ambry Variant Classification Scheme 2023. Collection method: clinical testing. Allele origin: germline.
Comment: The c.1010_1011delTG pathogenic mutation, located in coding exon 8 of the STK11 gene, results from a deletion of two nucleotides at nucleotide positions 1010 to 1011, causing a translational frameshift with a predicted alternate stop codon (p.V337Gfs*22). This alteration has been identified in a sporadic as well as a familial case of Peutz-Jeghers syndrome (PJS) (Salloch H et al. Int J Colorectal Dis, 2010 Jan;25:97-107; Borun P et al. BMC Med. Genet., 2013 May;14:58). This alteration is expected to result in loss of function by premature protein truncation or nonsense-mediated mRNA decay. As such, this alteration is interpreted as a disease-causing mutation.

Labcorp Genetics (formerly Invitae), Labcorp
Classification: Pathogenic for Peutz-Jeghers syndrome. Last evaluated: 2024-01-05. Review status: criteria provided, single submitter. Criteria: Invitae Variant Classification Sherloc (09022015). Collection method: clinical testing. Allele origin: germline.
Comment: This sequence change creates a premature translational stop signal (p.Val337Glyfs*22) in the STK11 gene. It is expected to result in an absent or disrupted protein product. Loss-of-function variants in STK11 are known to be pathogenic (PMID: 15188174, 16287113). This variant is not present in population databases (gnomAD no frequency). This premature translational stop signal has been observed in individuals with Peutz-Jeghers syndrome (PMID: 19727776, 23718779, 26979979, 32462036). For these reasons, this variant has been classified as Pathogenic.

Department of Medical Genetics, Hue University of Medicine and Pharmacy
Classification: Pathogenic for Peutz-Jeghers syndrome. Last evaluated: 2021-03-27. Review status: criteria provided, single submitter. Criteria: ACMG Guidelines, 2015. Collection method: clinical testing. Allele origin: inherited. Inheritance: Autosomal dominant inheritance. Affected: yes. Observed: 1 variant allele.

Literature cited by the submitters: PubMed 37017260 (cited by Department of Clinical Genetics, Copenhagen University Hospital, Rigshospitalet); PubMed 19727776 (cited by Ambry Genetics and Labcorp Genetics (formerly Invitae), Labcorp); PubMed 23718779 (cited by Ambry Genetics and Labcorp Genetics (formerly Invitae), Labcorp); PubMed 15188174 (cited by Labcorp Genetics (formerly Invitae), Labcorp); PubMed 16287113 (cited by Labcorp Genetics (formerly Invitae), Labcorp); PubMed 26979979 (cited by Labcorp Genetics (formerly Invitae), Labcorp); PubMed 32462036 (cited by Labcorp Genetics (formerly Invitae), Labcorp).